The following is an entry in ClinVar:

ClinVar aggregate classification (germline): Likely benign. Review status: criteria provided, single submitter (1 of 4 stars). 2 submissions from 2 submitters: Likely benign (1). 1 of the submissions does not count toward it. Last evaluated 2023-11-27.

Conditions:
SETD5-related disorder. Also called: SETD5-related disorders; SETD5-related condition.

Allele frequency attached by ClinVar (database versions not stated): TOPMed below 0.00001; ExAC 0.00001; gnomAD 0.00001.
gnomAD v4.1: 14 of 1,608,584 alleles (0.00087%); highest among the groups gnomAD compares: Middle Eastern, 0.017%; no homozygotes.

Submissions (2):

Labcorp Genetics (formerly Invitae), Labcorp
Classification: Likely benign. Last evaluated: 2023-11-27. Review status: criteria provided, single submitter. Criteria: Invitae Variant Classification Sherloc (09022015). Collection method: clinical testing. Allele origin: germline.

PreventionGenetics, part of Exact Sciences
Classification: Likely benign for SETD5-related condition. Last evaluated: 2021-06-17. Review status: no assertion criteria provided. Collection method: clinical testing. Allele origin: germline. Not counted in ClinVar's aggregate classification.
Comment: This variant is classified as likely benign based on ACMG/AMP sequence variant interpretation guidelines (Richards et al. 2015 PMID: 25741868, with internal and published modifications).

NM_001080517.3(SETD5):c.2391A>T (p.Ser797=)

Gene: SETD5 (SET domain containing 5; plus strand). Cytogenetic location: 3p25.3.
Variant type: single nucleotide variant.
Coding change: c.2391A>T on transcript NM_001080517.3 (MANE Select); coding-DNA position 2391, A replaced by T.
Protein change: p.Ser797=; no amino-acid change (serine 797 retained).
Molecular consequence: synonymous variant.
Genome position (GRCh38, 1-based): chr3:9,453,783, A>T. VCF-style: chr3-9453783-A-T. GRCh37 (hg19) VCF-style: chr3-9495467-A-T.
Other names: c.2097A>T, p.Ser699= (NM_001292043.2, NM_001349451.2); c.2391A>T (NM_001080517.2).
Identifiers: ClinVar variation 2975688 (VCV002975688.5), dbSNP rs545703721, ClinGen allele CA2239438.